The following is an entry in ClinVar:

ClinVar aggregate classification (germline): Conflicting classifications of pathogenicity. Review status: criteria provided, conflicting classifications (1 of 4 stars). 2 submissions from 2 submitters: Uncertain significance (1); Likely benign (1). Last evaluated 2024-04-29.

Conditions:
Hereditary cancer-predisposing syndrome. Also called: Neoplastic Syndromes, Hereditary; Tumor predisposition; Hereditary Cancer Syndrome; Hereditary neoplastic syndrome. Identifiers: Orphanet 140162, MedGen C0027672, MeSH D009386, MONDO:0015356.

Allele frequency attached by ClinVar (database versions not stated): gnomAD exomes 0.00001.
gnomAD v4.1: 6 of 1,583,110 alleles (0.00038%); highest among the groups gnomAD compares: East Asian, 0.013%; no homozygotes.

Submissions (2):

Quest Diagnostics Nichols Institute San Juan Capistrano
Classification: Uncertain significance. Last evaluated: 2024-04-29. Review status: criteria provided, single submitter. Criteria: Quest Diagnostics criteria. Collection method: clinical testing. Allele origin: unknown.
Comment: The RAD50 c.2207+8T>C variant has not been reported in individuals with RAD50-related conditions in the published literature. It also has not been reported in large, multi-ethnic general populations (Genome Aggregation Database). Analysis of this variant using software algorithms for the prediction of the effect of nucleotide changes on splicing yielded predictions that this variant does not affect RAD50 mRNA splicing. Based on the available information, we are unable to determine the clinical significance of this variant.

Labcorp Genetics (formerly Invitae), Labcorp
Classification: Likely benign for Hereditary cancer-predisposing syndrome. Last evaluated: 2022-06-20. Review status: criteria provided, single submitter. Criteria: Invitae Variant Classification Sherloc (09022015). Collection method: clinical testing. Allele origin: germline.

NM_005732.4(RAD50):c.2207+8T>C

Gene: RAD50 (RAD50 double strand break repair protein; plus strand). Cytogenetic location: 5q31.1.
Variant type: single nucleotide variant.
Coding change: c.2207+8T>C on transcript NM_005732.4 (MANE Select); 8 bases into the intron after coding-DNA position 2207, T replaced by C.
Molecular consequence: intron variant.
Genome position (GRCh38, 1-based): chr5:132,595,818, T>C. VCF-style: chr5-132595818-T-C. GRCh37 (hg19) VCF-style: chr5-131931510-T-C.
Identifiers: ClinVar variation 527391 (VCV000527391.12), dbSNP rs1554098728, ClinGen allele CA658796641.